The following is an entry in ClinVar:

NM_006922.4(SCN3A):c.3188A>C (p.Tyr1063Ser)

Gene: SCN3A (sodium voltage-gated channel alpha subunit 3; minus strand). Cytogenetic location: 2q24.3.
Variant type: single nucleotide variant.
Coding change: c.3188A>C on transcript NM_006922.4 (MANE Select); coding-DNA position 3188, A replaced by C.
Protein change: p.Tyr1063Ser; replaces tyrosine 1063 with serine.
Molecular consequence: missense variant.
Genome position (GRCh38, 1-based): chr2:165,127,836, T>G on the plus strand (A>C on the coding strand, the complement: SCN3A is on the minus strand). VCF-style: chr2-165127836-T-G. GRCh37 (hg19) VCF-style: chr2-165984346-T-G.
Other names: c.3041A>C, p.Tyr1014Ser (NM_001081676.2, NM_001081677.2); short protein forms Y1063S, Y1014S.
Identifiers: ClinVar variation 1998026 (VCV001998026.4), dbSNP rs2105762699, ClinGen allele CA349040907.

ClinVar aggregate classification (germline): Uncertain significance (1 of 4 stars; one submission).

Submission:

Labcorp Genetics (formerly Invitae), Labcorp
Classification: Uncertain significance. Last evaluated: 2026-01-12. Review status: criteria provided, single submitter. Criteria: Invitae Variant Classification Sherloc (09022015). Collection method: clinical testing. Allele origin: germline.
Comment: This sequence change replaces tyrosine, which is neutral and polar, with serine, which is neutral and polar, at codon 1063 of the SCN3A protein (p.Tyr1063Ser). This variant is not present in population databases (gnomAD no frequency). This variant has not been reported in the literature in individuals affected with SCN3A-related conditions. ClinVar contains an entry for this variant (Variation ID: 1998026). Invitae Evidence Modeling of protein sequence and biophysical properties (such as structural, functional, and spatial information, amino acid conservation, physicochemical variation, residue mobility, and thermodynamic stability) indicates that this missense variant is not expected to disrupt SCN3A protein function with a negative predictive value of 95%. In summary, the available evidence is currently insufficient to determine the role of this variant in disease. Therefore, it has been classified as a Variant of Uncertain Significance.